The following is an entry in ClinVar:

ClinVar aggregate classification (germline): Uncertain significance (1 of 4 stars; one submission).

Conditions:
Autoimmune lymphoproliferative syndrome, type III caused by mutation in PRKCD. Identifiers: Orphanet 3261, Orphanet 664711, MedGen C3809928, MONDO:8000024, OMIM 615559.

Allele frequency attached by ClinVar (database versions not stated): gnomAD exomes below 0.00001.
gnomAD v4.1: 3 of 1,578,198 alleles (0.00019%); highest among the groups gnomAD compares: East Asian, 0.0023%; no homozygotes.

Submission:

Labcorp Genetics (formerly Invitae), Labcorp
Classification: Uncertain significance for Autoimmune lymphoproliferative syndrome, type III caused by mutation in PRKCD. Last evaluated: 2022-10-17. Review status: criteria provided, single submitter. Criteria: Invitae Variant Classification Sherloc (09022015). Collection method: clinical testing. Allele origin: germline.
Comment: This sequence change replaces lysine, which is basic and polar, with arginine, which is basic and polar, at codon 96 of the PRKCD protein (p.Lys96Arg). This variant is not present in population databases (gnomAD no frequency). This variant has not been reported in the literature in individuals affected with PRKCD-related conditions. Algorithms developed to predict the effect of missense changes on protein structure and function are either unavailable or do not agree on the potential impact of this missense change (SIFT: "Deleterious"; PolyPhen-2: "Possibly Damaging"; Align-GVGD: "Class C0"). In summary, the available evidence is currently insufficient to determine the role of this variant in disease. Therefore, it has been classified as a Variant of Uncertain Significance.

NM_006254.4(PRKCD):c.287A>G (p.Lys96Arg)

Gene: PRKCD (protein kinase C delta; plus strand). Cytogenetic location: 3p21.1.
Variant type: single nucleotide variant.
Coding change: c.287A>G on transcript NM_006254.4 (MANE Select); coding-DNA position 287, A replaced by G.
Protein change: p.Lys96Arg; replaces lysine 96 with arginine.
Molecular consequence: missense variant.
Genome position (GRCh38, 1-based): chr3:53,179,748, A>G. VCF-style: chr3-53179748-A-G. GRCh37 (hg19) VCF-style: chr3-53213764-A-G.
Other names: c.287A>G, p.Lys96Arg (NM_001316327.2, NM_001354679.2, NM_001354680.2 and 1 more transcripts); c.344A>G, p.Lys115Arg (NM_001354676.2); c.335A>G, p.Lys112Arg (NM_001354678.2); short protein forms K115R, K96R, K112R.
Identifiers: ClinVar variation 2150777 (VCV002150777.1), dbSNP rs1238886300, ClinGen allele CA353233371.